The following is an entry in ClinVar:

NM_001374504.1(TMPRSS6):c.1799A>T (p.Asp600Val)

Gene: TMPRSS6 (transmembrane serine protease 6; minus strand). Cytogenetic location: 22q12.3.
Variant type: single nucleotide variant.
Coding change: c.1799A>T on transcript NM_001374504.1 (MANE Select); coding-DNA position 1799, A replaced by T.
Protein change: p.Asp600Val; replaces aspartic acid 600 with valine.
Molecular consequence: missense variant.
Genome position (GRCh38, 1-based): chr22:37,070,526, T>A on the plus strand (A>T on the coding strand, the complement: TMPRSS6 is on the minus strand). VCF-style: chr22-37070526-T-A. GRCh37 (hg19) VCF-style: chr22-37466566-T-A.
Other names: c.1799A>T, p.Asp600Val (NM_001289000.2, NM_001289001.2, NM_153609.4); short protein forms D600V.
Identifiers: ClinVar variation 3327355 (VCV003327355.2).

ClinVar aggregate classification (germline): Uncertain significance. Review status: criteria provided, multiple submitters, no conflicts (2 of 4 stars). 2 submissions from 2 submitters: Uncertain significance (2). Last evaluated 2025-07-23.

Conditions:
Inborn genetic diseases. Identifiers: MedGen C0950123, MeSH D030342.

gnomAD v4.1: 32 of 1,613,200 alleles (0.002%); highest among the groups gnomAD compares: Non-Finnish European, 0.0025%; no homozygotes.

Submissions (2):

Labcorp Genetics (formerly Invitae), Labcorp
Classification: Uncertain significance. Last evaluated: 2025-07-23. Review status: criteria provided, single submitter. Criteria: Invitae Variant Classification Sherloc (09022015). Collection method: clinical testing. Allele origin: germline.
Comment: This sequence change replaces aspartic acid, which is acidic and polar, with valine, which is neutral and non-polar, at codon 609 of the TMPRSS6 protein (p.Asp609Val). This variant is present in population databases (no rsID available, gnomAD 0.002%). This variant has not been reported in the literature in individuals affected with TMPRSS6-related conditions. ClinVar contains an entry for this variant (Variation ID: 3327355). Invitae Evidence Modeling of protein sequence and biophysical properties (such as structural, functional, and spatial information, amino acid conservation, physicochemical variation, residue mobility, and thermodynamic stability) indicates that this missense variant is expected to disrupt TMPRSS6 protein function with a positive predictive value of 80%. In summary, the available evidence is currently insufficient to determine the role of this variant in disease. Therefore, it has been classified as a Variant of Uncertain Significance.

Ambry Genetics
Classification: Uncertain significance for Inborn genetic diseases. Last evaluated: 2024-04-12. Review status: criteria provided, single submitter. Criteria: Ambry Variant Classification Scheme 2023. Collection method: clinical testing. Allele origin: germline.